The following is an entry in ClinVar:

NM_024741.3(ZNF408):c.2125G>A (p.Ala709Thr)

Gene: ZNF408 (zinc finger protein 408; plus strand). Cytogenetic location: 11p11.2.
Variant type: single nucleotide variant.
Coding change: c.2125G>A on transcript NM_024741.3 (MANE Select); coding-DNA position 2125, G replaced by A.
Protein change: p.Ala709Thr; replaces alanine 709 with threonine.
Molecular consequence: missense variant.
Genome position (GRCh38, 1-based): chr11:46,705,825, G>A. VCF-style: chr11-46705825-G-A. GRCh37 (hg19) VCF-style: chr11-46727375-G-A.
Other names: c.2101G>A, p.Ala701Thr (NM_001184751.2); c.2125G>A (NM_024741.2); short protein forms A709T, A701T.
Identifiers: ClinVar variation 1042088 (VCV001042088.9), dbSNP rs201274733, ClinGen allele CA5966724.

ClinVar aggregate classification (germline): Uncertain significance. Review status: criteria provided, multiple submitters, no conflicts (2 of 4 stars). 2 submissions from 2 submitters: Uncertain significance (2). Last evaluated 2025-11-22.

Conditions:
ZNF408-related disorder. Also called: ZNF408-related condition.

Allele frequency attached by ClinVar (database versions not stated): TOPMed 0.00006; ESP Exome Variant Server 0.00031.

Submissions (2):

Labcorp Genetics (formerly Invitae), Labcorp
Classification: Uncertain significance. Last evaluated: 2025-11-22. Review status: criteria provided, single submitter. Criteria: Invitae Variant Classification Sherloc (09022015). Collection method: clinical testing. Allele origin: germline.
Comment: This sequence change replaces alanine, which is neutral and non-polar, with threonine, which is neutral and polar, at codon 709 of the ZNF408 protein (p.Ala709Thr). This variant is present in population databases (rs201274733, gnomAD 0.01%). This variant has not been reported in the literature in individuals affected with ZNF408-related conditions. ClinVar contains an entry for this variant (Variation ID: 1042088). An algorithm developed to predict the effect of missense changes on protein structure and function outputs the following: PolyPhen-2: "Benign". The threonine amino acid residue is found in multiple mammalian species, which suggests that this missense change does not adversely affect protein function. In summary, the available evidence is currently insufficient to determine the role of this variant in disease. Therefore, it has been classified as a Variant of Uncertain Significance.

PreventionGenetics, part of Exact Sciences
Classification: Uncertain significance for ZNF408-related condition. Last evaluated: 2025-03-20. Review status: criteria provided, single submitter. Criteria: ACMG Guidelines, 2015. Collection method: clinical testing. Allele origin: germline.
Comment: The ZNF408 c.2125G>A variant is predicted to result in the amino acid substitution p.Ala709Thr. To our knowledge, this variant has not been reported in the literature. This variant is present in 0.011% of alleles in individuals of European (Non-Finnish) descent in gnomAD. At this time, the clinical significance of this variant is uncertain due to the absence of conclusive functional and genetic evidence.